The following is an entry in ClinVar:

ClinVar aggregate classification (germline): Pathogenic (1 of 4 stars; one submission).

Conditions:
Inborn genetic diseases. Identifiers: MedGen C0950123, MeSH D030342.

Allele frequency attached by ClinVar (database versions not stated): gnomAD exomes below 0.00001; TOPMed 0.00003; gnomAD 0.00004; ExAC 0.00008.
gnomAD v4.1: 8 of 1,580,414 alleles (0.00051%); highest among the groups gnomAD compares: African/African-American, 0.0094%; no homozygotes.

Submission:

Ambry Genetics
Classification: Pathogenic for Inborn genetic diseases. Last evaluated: 2022-06-08. Review status: criteria provided, single submitter. Criteria: Ambry Variant Classification Scheme 2023. Collection method: clinical testing. Allele origin: germline.
Comment: The c.139G>T (p.E47*) alteration, located in exon 2 (coding exon 2) of the ISCA2 gene, consists of a G to T substitution at nucleotide position 139. This changes the amino acid from a glutamic acid (E) to a stop codon at amino acid position 47. This alteration is expected to result in loss of function by premature protein truncation or nonsense-mediated mRNA decay. Based on the available evidence, this alteration is classified as pathogenic.

NM_194279.4(ISCA2):c.139G>T (p.Glu47Ter)

Gene: ISCA2 (iron-sulfur cluster assembly 2; plus strand). Cytogenetic location: 14q24.3.
Variant type: single nucleotide variant.
Coding change: c.139G>T on transcript NM_194279.4 (MANE Select); coding-DNA position 139, G replaced by T.
Protein change: p.Glu47Ter; replaces glutamic acid 47 with a stop codon.
Molecular consequence: nonsense.
Genome position (GRCh38, 1-based): chr14:74,494,117, G>T. VCF-style: chr14-74494117-G-T. GRCh37 (hg19) VCF-style: chr14-74960820-G-T.
Other names: c.139G>T, p.Glu47Ter (NM_001272007.2); short protein forms E47*.
Identifiers: ClinVar variation 2288035 (VCV002288035.2), dbSNP rs747996482, ClinGen allele CA7268270.